The following is an entry in ClinVar:

NM_030753.5(WNT3):c.877T>G (p.Phe293Val)

Genes: LRRC37A2 (leucine rich repeat containing 37 member A2), WNT3 (Wnt family member 3; minus strand). Cytogenetic location: 17q21.31.
Variant type: single nucleotide variant.
Coding change: c.877T>G on transcript NM_030753.5 (MANE Select); coding-DNA position 877, T replaced by G.
Protein change: p.Phe293Val; replaces phenylalanine 293 with valine.
Molecular consequence: missense variant.
Genome position (GRCh38, 1-based): chr17:46,768,511, A>C on the plus strand (T>G on the coding strand, the complement: WNT3 is on the minus strand). VCF-style: chr17-46768511-A-C. GRCh37 (hg19) VCF-style: chr17-44845877-A-C.
Other names: short protein forms F293V.
Identifiers: ClinVar variation 2766983 (VCV002766983.3), dbSNP rs2545981494, ClinGen allele CA400009862.

ClinVar aggregate classification (germline): Uncertain significance (1 of 4 stars; one submission).

Submission:

Labcorp Genetics (formerly Invitae), Labcorp
Classification: Uncertain significance. Last evaluated: 2023-12-31. Review status: criteria provided, single submitter. Criteria: Invitae Variant Classification Sherloc (09022015). Collection method: clinical testing. Allele origin: germline.
Comment: This sequence change replaces phenylalanine, which is neutral and non-polar, with valine, which is neutral and non-polar, at codon 293 of the WNT3 protein (p.Phe293Val). This variant is not present in population databases (gnomAD no frequency). This variant has not been reported in the literature in individuals affected with WNT3-related conditions. Advanced modeling of protein sequence and biophysical properties (such as structural, functional, and spatial information, amino acid conservation, physicochemical variation, residue mobility, and thermodynamic stability) performed at Invitae indicates that this missense variant is not expected to disrupt WNT3 protein function with a negative predictive value of 80%. In summary, the available evidence is currently insufficient to determine the role of this variant in disease. Therefore, it has been classified as a Variant of Uncertain Significance.